The following is an entry in ClinVar:

NM_004304.5(ALK):c.4256A>T (p.Glu1419Val)

Gene: ALK (ALK receptor tyrosine kinase; minus strand). Cytogenetic location: 2p23.2.
Variant type: single nucleotide variant.
Coding change: c.4256A>T on transcript NM_004304.5 (MANE Select); coding-DNA position 4256, A replaced by T.
Protein change: p.Glu1419Val; replaces glutamic acid 1419 with valine.
Molecular consequence: missense variant.
Genome position (GRCh38, 1-based): chr2:29,193,831, T>A on the plus strand (A>T on the coding strand, the complement: ALK is on the minus strand). VCF-style: chr2-29193831-T-A. GRCh37 (hg19) VCF-style: chr2-29416697-T-A.
Other names: c.1052A>T, p.Glu351Val (NM_001353765.2); short protein forms E1419V, E351V.
Identifiers: ClinVar variation 1739122 (VCV001739122.3), dbSNP rs2465875118, ClinGen allele CA346463002.

ClinVar aggregate classification (germline): Uncertain significance (1 of 4 stars; one submission).

Conditions:
Hereditary cancer-predisposing syndrome. Also called: Hereditary Cancer Syndrome; Hereditary neoplastic syndrome; Neoplastic Syndromes, Hereditary; Tumor predisposition. Identifiers: Orphanet 140162, MedGen C0027672, MeSH D009386, MONDO:0015356.

Submission:

Ambry Genetics
Classification: Uncertain significance for Hereditary cancer-predisposing syndrome. Last evaluated: 2022-10-31. Review status: criteria provided, single submitter. Criteria: Ambry Variant Classification Scheme 2023. Collection method: clinical testing. Allele origin: germline.
Comment: The p.E1419V variant (also known as c.4256A>T), located in coding exon 29 of the ALK gene, results from an A to T substitution at nucleotide position 4256. The glutamic acid at codon 1419 is replaced by valine, an amino acid with dissimilar properties. This amino acid position is conserved. In addition, this alteration is predicted to be tolerated by in silico analysis. Since supporting evidence is limited at this time, the clinical significance of this alteration remains unclear.